The following is an entry in ClinVar:

ClinVar aggregate classification (germline): Likely benign. Review status: criteria provided, multiple submitters, no conflicts (2 of 4 stars). 2 submissions from 2 submitters: Likely benign (2). Last evaluated 2023-09-06.

gnomAD v4.1: 3 of 1,614,104 alleles (0.00019%); highest among the groups gnomAD compares: Non-Finnish European, 0.00017%; no homozygotes.

Submissions (2):

Labcorp Genetics (formerly Invitae), Labcorp
Classification: Likely benign. Last evaluated: 2023-09-06. Review status: criteria provided, single submitter. Criteria: Invitae Variant Classification Sherloc (09022015). Collection method: clinical testing. Allele origin: germline.

GeneDx
Classification: Likely benign. Last evaluated: 2017-07-25. Review status: criteria provided, single submitter. Criteria: GeneDx Variant Classification (06012015). Collection method: clinical testing. Allele origin: germline. Affected: yes.
Comment: This variant is considered likely benign or benign based on one or more of the following criteria: it is a conservative change, it occurs at a poorly conserved position in the protein, it is predicted to be benign by multiple in silico algorithms, and/or has population frequency not consistent with disease.

NM_000391.4(TPP1):c.1470G>A (p.Glu490=)

Gene: TPP1 (tripeptidyl peptidase 1; minus strand). Cytogenetic location: 11p15.4.
Variant type: single nucleotide variant.
Coding change: c.1470G>A on transcript NM_000391.4 (MANE Select); coding-DNA position 1470, G replaced by A.
Protein change: p.Glu490=; no amino-acid change (glutamic acid 490 retained).
Molecular consequence: synonymous variant.
Genome position (GRCh38, 1-based): chr11:6,614,947, C>T on the plus strand (G>A on the coding strand, the complement: TPP1 is on the minus strand). VCF-style: chr11-6614947-C-T. GRCh37 (hg19) VCF-style: chr11-6636178-C-T.
Identifiers: ClinVar variation 511041 (VCV000511041.9), dbSNP rs367681647, ClinGen allele CA5858639.